The following is an entry in ClinVar:

NM_024675.4(PALB2):c.1117del (p.Glu373fs)

Gene: PALB2 (partner and localizer of BRCA2; minus strand). Cytogenetic location: 16p12.2.
Variant type: Deletion.
Coding change: c.1117del on transcript NM_024675.4 (MANE Select); coding-DNA position 1117, one base deleted (G; older notation c.1117delG).
Protein change: p.Glu373fs; shifts the reading frame from glutamic acid 373.
Molecular consequence: frameshift variant.
Genome position (GRCh38, 1-based): chr16:23,635,429, C deleted on the plus strand (G on the coding strand, the reverse complement: PALB2 is on the minus strand). VCF-style (leftmost placement, unchanged base first): chr16-23635428-TC-T. GRCh37 (hg19) VCF-style: chr16-23646749-TC-T.
Other names: c.1057delG, p.Glu353Argfs (NM_001407296.1); c.1117delG, p.Glu373Argfs (NM_001407297.1, NM_001407298.1, NM_001407299.1 and 3 more transcripts); c.232delG, p.Glu78Argfs (NM_001407304.1, NM_001407305.1, NM_001407306.1 and 5 more transcripts); short protein forms E373fs.
Identifiers: ClinVar variation 1796581 (VCV001796581.10), dbSNP rs2506488340, ClinGen allele CA2580091313.

ClinVar aggregate classification (germline): Pathogenic/Likely pathogenic. Review status: criteria provided, multiple submitters, no conflicts (2 of 4 stars). 4 submissions from 4 submitters: Pathogenic (3); Likely pathogenic (1). Last evaluated 2024-05-16.

Conditions:
Hereditary cancer-predisposing syndrome. Also called: Tumor predisposition; Hereditary Cancer Syndrome; Neoplastic Syndromes, Hereditary; Hereditary neoplastic syndrome. Identifiers: Orphanet 140162, MedGen C0027672, MeSH D009386, MONDO:0015356.
Familial cancer of breast. Also called: Hereditary breast cancer; BREAST CANCER, FAMILIAL; hereditary breast carcinoma. Identifiers: Orphanet 227535, MedGen C0346153, MONDO:0016419, OMIM 114480. Disease mechanism: loss of function.

Submissions (4):

Ambry Genetics
Classification: Pathogenic for Hereditary cancer-predisposing syndrome. Last evaluated: 2024-05-16. Review status: criteria provided, single submitter. Criteria: Ambry Variant Classification Scheme 2023. Collection method: clinical testing. Allele origin: germline.
Comment: The c.1117delG pathogenic mutation, located in coding exon 4 of the PALB2 gene, results from a deletion of one nucleotide at nucleotide position 1117, causing a translational frameshift with a predicted alternate stop codon (p.E373Rfs*3). This alteration is expected to result in loss of function by premature protein truncation or nonsense-mediated mRNA decay. As such, this alteration is interpreted as a disease-causing mutation.

Myriad Genetics, Inc.
Classification: Pathogenic for Familial cancer of breast. Last evaluated: 2023-09-07. Review status: criteria provided, single submitter. Criteria: Myriad Autosomal Dominant, Autosomal Recessive and X-Linked Classification Criteria (2023). Collection method: clinical testing. Allele origin: unknown.
Comment: This variant is considered pathogenic. This variant creates a frameshift predicted to result in premature protein truncation.

Labcorp Genetics (formerly Invitae), Labcorp
Classification: Pathogenic for Familial cancer of breast. Last evaluated: 2022-12-15. Review status: criteria provided, single submitter. Criteria: Invitae Variant Classification Sherloc (09022015). Collection method: clinical testing. Allele origin: germline.
Comment: This sequence change creates a premature translational stop signal (p.Glu373Argfs*3) in the PALB2 gene. It is expected to result in an absent or disrupted protein product. Loss-of-function variants in PALB2 are known to be pathogenic (PMID: 17200668, 17200671, 17200672, 24136930, 25099575). This variant is not present in population databases (gnomAD no frequency). This variant has not been reported in the literature in individuals affected with PALB2-related conditions. ClinVar contains an entry for this variant (Variation ID: 1796581). For these reasons, this variant has been classified as Pathogenic.

Baylor Genetics
Classification: Likely pathogenic for Familial cancer of breast. Last evaluated: 2022-09-19. Review status: criteria provided, single submitter. Criteria: ACMG Guidelines, 2015. Collection method: clinical testing. Allele origin: unknown.

Literature cited by the submitters: PubMed 17200668 (cited by Labcorp Genetics (formerly Invitae), Labcorp); PubMed 17200671 (cited by Labcorp Genetics (formerly Invitae), Labcorp); PubMed 17200672 (cited by Labcorp Genetics (formerly Invitae), Labcorp); PubMed 24136930 (cited by Labcorp Genetics (formerly Invitae), Labcorp); PubMed 25099575 (cited by Labcorp Genetics (formerly Invitae), Labcorp).